The following is an entry in ClinVar:

NM_013336.4(SEC61A1):c.*1G>A

Genes: RUVBL1 (RuvB like AAA ATPase 1; minus strand), SEC61A1 (SEC61 translocon subunit alpha 1; plus strand). Cytogenetic location: 3q21.3.
Variant type: single nucleotide variant.
Coding change: c.*1G>A on transcript NM_013336.4 (MANE Select); 1 bases downstream of the stop codon, G replaced by A.
Molecular consequence: 3 prime UTR variant. On other transcripts: intron variant (1).
Genome position (GRCh38, 1-based): chr3:128,069,663, G>A. VCF-style: chr3-128069663-G-A. GRCh37 (hg19) VCF-style: chr3-127788506-G-A.
Other names: c.*1G>A (NM_001400328.1, NM_001400329.1); c.940-4443C>T (NM_001319086.1).
Identifiers: ClinVar variation 4684715 (VCV004684715.3).
Genomic context (GRCh38, chr3:128,069,663, plus strand): 5'-TTTGAGATCTTCGTTAAGGAGCAAAGCGAGGTTGGCAGCATGGGGGCCCTGCTCTTCTGA[G>A]CCCGTCTCCCGGACAGGTTGAGGAAGCTGCTCCAGAAGCGCCTCGGAAGGGGAGCTCTCA-3'

ClinVar aggregate classification (germline): Benign/Likely benign. Review status: criteria provided, multiple submitters, no conflicts (2 of 4 stars). 3 submissions from 3 submitters: Benign (1); Likely benign (2). Last evaluated 2026-02-12.

gnomAD v4.1: 317 of 1,613,920 alleles (0.02%); highest among the groups gnomAD compares: African/African-American, 0.4%; 1 homozygote.

Submissions (3):

Women's Health and Genetics/Laboratory Corporation of America, LabCorp
Classification: Benign. Last evaluated: 2026-02-12. Review status: criteria provided, single submitter. Criteria: LabCorp Variant Classification Summary - May 2015. Collection method: clinical testing. Allele origin: germline.
Comment: Variant summary: SEC61A1 c.*1G>A is located in the untranslated mRNA region downstream of the termination codon. The variant allele was found at a frequency of 0.00029 in 250988 control chromosomes. The observed variant frequency exceeds the estimated maximal expected allele frequency for disease-causing variants in SEC61A1. To our knowledge, no occurrence of c.*1G>A in individuals affected with SEC61A1-related conditions and no experimental evidence demonstrating its impact on protein function have been reported. ClinVar contains an entry for this variant (Variation ID: 4684715). Based on the evidence outlined above, the variant was classified as benign.

Mayo Clinic Laboratories, Mayo Clinic
Classification: Likely benign. Last evaluated: 2025-11-20. Review status: criteria provided, single submitter. Criteria: ACMG Guidelines, 2015. Collection method: clinical testing. Allele origin: germline. Observed: 1 variant allele.
Comment: BS1, BP4

Blueprint Genetics
Classification: Likely benign. Last evaluated: 2023-11-14. Review status: criteria provided, single submitter. Criteria: ACMG Guidelines, 2015. Collection method: clinical testing. Allele origin: germline.